The following is an entry in ClinVar:

ClinVar aggregate classification (germline): Uncertain significance (1 of 4 stars; one submission).

Submission:

Labcorp Genetics (formerly Invitae), Labcorp
Classification: Uncertain significance. Last evaluated: 2022-03-24. Review status: criteria provided, single submitter. Criteria: Invitae Variant Classification Sherloc (09022015). Collection method: clinical testing. Allele origin: germline.
Comment: In summary, the available evidence is currently insufficient to determine the role of this variant in disease. Therefore, it has been classified as a Variant of Uncertain Significance. Advanced modeling of protein sequence and biophysical properties (such as structural, functional, and spatial information, amino acid conservation, physicochemical variation, residue mobility, and thermodynamic stability) performed at Invitae indicates that this missense variant is expected to disrupt CPLANE1 protein function. This variant has not been reported in the literature in individuals affected with CPLANE1-related conditions. This variant is not present in population databases (gnomAD no frequency). This sequence change replaces arginine, which is basic and polar, with glycine, which is neutral and non-polar, at codon 2893 of the CPLANE1 protein (p.Arg2893Gly).

NM_001384732.1(CPLANE1):c.8839A>G (p.Arg2947Gly)

Gene: CPLANE1 (ciliogenesis and planar polarity effector complex subunit 1; minus strand). Cytogenetic location: 5p13.2.
Variant type: single nucleotide variant.
Coding change: c.8839A>G on transcript NM_001384732.1 (MANE Select); coding-DNA position 8839, A replaced by G.
Protein change: p.Arg2947Gly; replaces arginine 2947 with glycine.
Molecular consequence: missense variant.
Genome position (GRCh38, 1-based): chr5:37,125,363, T>C on the plus strand (A>G on the coding strand, the complement: CPLANE1 is on the minus strand). VCF-style: chr5-37125363-T-C. GRCh37 (hg19) VCF-style: chr5-37125465-T-C.
Other names: c.8677A>G, p.Arg2893Gly (NM_023073.4); short protein forms R2893G, R2947G.
Identifiers: ClinVar variation 1970047 (VCV001970047.5), dbSNP rs2546720458, ClinGen allele CA359499567.
Genomic context (GRCh38, chr5:37,125,363, plus strand): 5'-TTAAGTACTTTGCCATTCTTTCTTTTCGTTTTCTTTTCATCCAGGCTTGAATCTCTCTTC[T>C]TTCCTTGTCAGTTCTTTGTGAATGTCTGCCAGAATAATGCTGAATTCTGAGAAATTTAAC-3'
Protein context (NP_001371661.1, residues 2937-2957): GRHSQRTDKE[Arg2947Gly]REIQAWMKRK